The following is an entry in ClinVar:

NM_024301.5(FKRP):c.218A>G (p.Gln73Arg)

Gene: FKRP (fukutin related protein; plus strand). Cytogenetic location: 19q13.32.
Variant type: single nucleotide variant.
Coding change: c.218A>G on transcript NM_024301.5 (MANE Select); coding-DNA position 218, A replaced by G.
Protein change: p.Gln73Arg; replaces glutamine 73 with arginine.
Molecular consequence: missense variant.
Genome position (GRCh38, 1-based): chr19:46,755,668, A>G. VCF-style: chr19-46755668-A-G. GRCh37 (hg19) VCF-style: chr19-47258925-A-G.
Other names: c.218A>G, p.Gln73Arg (NM_001039885.3); short protein forms Q73R.
Identifiers: ClinVar variation 1479389 (VCV001479389.4), dbSNP rs2122611023, ClinGen allele CA406494898.

ClinVar aggregate classification (germline): Uncertain significance (1 of 4 stars; one submission).

Conditions:
Walker-Warburg congenital muscular dystrophy. Also called: Muscular dystrophy-dystroglycanopathy, type A; Walker-Warburg syndrome. Identifiers: Orphanet 899, MedGen C0265221, MONDO:0000171.

gnomAD v4.1: 1 of 1,594,998 alleles (0.000063%); no homozygotes.

Submission:

Labcorp Genetics (formerly Invitae), Labcorp
Classification: Uncertain significance for Walker-Warburg congenital muscular dystrophy. Last evaluated: 2021-07-31. Review status: criteria provided, single submitter. Criteria: Invitae Variant Classification Sherloc (09022015). Collection method: clinical testing. Allele origin: germline.
Comment: In summary, the available evidence is currently insufficient to determine the role of this variant in disease. Therefore, it has been classified as a Variant of Uncertain Significance. Algorithms developed to predict the effect of missense changes on protein structure and function (SIFT, PolyPhen-2, Align-GVGD) all suggest that this variant is likely to be tolerated. This variant has not been reported in the literature in individuals affected with FKRP-related conditions. This variant is not present in population databases (ExAC no frequency). This sequence change replaces glutamine with arginine at codon 73 of the FKRP protein (p.Gln73Arg). The glutamine residue is moderately conserved and there is a small physicochemical difference between glutamine and arginine.